The following is an entry in ClinVar:

NM_001267550.2(TTN):c.104422G>A (p.Glu34808Lys)

Genes: TTN (titin; minus strand), TTN-AS1 (TTN antisense RNA 1; plus strand). Cytogenetic location: 2q31.2.
Variant type: single nucleotide variant.
Coding change: c.104422G>A on transcript NM_001267550.2 (MANE Select); coding-DNA position 104422, G replaced by A.
Protein change: p.Glu34808Lys; replaces glutamic acid 34808 with lysine.
Molecular consequence: missense variant.
Genome position (GRCh38, 1-based): chr2:178,532,193, C>T on the plus strand (G>A on the coding strand, the complement: TTN is on the minus strand). VCF-style: chr2-178532193-C-T. GRCh37 (hg19) VCF-style: chr2-179396920-C-T.
Other names: c.99499G>A, p.Glu33167Lys (NM_001256850.1); c.77227G>A, p.Glu25743Lys (NM_003319.4); c.96718G>A, p.Glu32240Lys (NM_133378.4); c.77602G>A, p.Glu25868Lys (NM_133432.3); c.77803G>A, p.Glu25935Lys (NM_133437.4); short protein forms E25743K, E33167K, E32240K, E25868K, E34808K, E25935K.
Identifiers: ClinVar variation 2085391 (VCV002085391.4), dbSNP rs1689428515, ClinGen allele CA349411768.

ClinVar aggregate classification (germline): Uncertain significance (1 of 4 stars; one submission).

Conditions:
Dilated cardiomyopathy 1G (CMD1G). Identifiers: Orphanet 154, MedGen C1858763, MONDO:0011400, OMIM 604145.
Autosomal recessive limb-girdle muscular dystrophy type 2J (LGMDR10). Also called: Limb-girdle muscular dystrophy, type 2J; MUSCULAR DYSTROPHY, LIMB-GIRDLE, AUTOSOMAL RECESSIVE 10. Identifiers: Orphanet 140922, MedGen C1837342, MONDO:0012127, OMIM 608807.

Submission:

Labcorp Genetics (formerly Invitae), Labcorp
Classification: Uncertain significance for Dilated cardiomyopathy 1G; Autosomal recessive limb-girdle muscular dystrophy type 2J. Last evaluated: 2024-03-15. Review status: criteria provided, single submitter. Criteria: Invitae Variant Classification Sherloc (09022015). Collection method: clinical testing. Allele origin: germline.
Comment: This sequence change replaces glutamic acid, which is acidic and polar, with lysine, which is basic and polar, at codon 34808 of the TTN protein (p.Glu34808Lys). This variant is not present in population databases (gnomAD no frequency). This variant has not been reported in the literature in individuals affected with TTN-related conditions. ClinVar contains an entry for this variant (Variation ID: 2085391). Algorithms developed to predict the effect of missense changes on protein structure and function output the following: SIFT: "Not Available"; PolyPhen-2: "Not Available"; Align-GVGD: "Not Available". The lysine amino acid residue is found in multiple mammalian species, which suggests that this missense change does not adversely affect protein function. This variant is located in the M band of TTN (PMID: 25589632). Non-truncating variants in this region may be relevant for neuromuscular disorders, but have not been definitively shown to cause cardiomyopathy (PMID: 23975875). In summary, the available evidence is currently insufficient to determine the role of this variant in disease. Therefore, it has been classified as a Variant of Uncertain Significance.

Literature cited by the submitters: PubMed 25589632; PubMed 23975875.